The following is an entry in ClinVar:

NM_182914.3(SYNE2):c.10392C>T (p.Cys3464=)

Gene: SYNE2 (spectrin repeat containing nuclear envelope protein 2; plus strand). Cytogenetic location: 14q23.2.
Variant type: single nucleotide variant.
Coding change: c.10392C>T on transcript NM_182914.3 (MANE Select); coding-DNA position 10392, C replaced by T.
Protein change: p.Cys3464=; no amino-acid change (cysteine 3464 retained).
Molecular consequence: synonymous variant.
Genome position (GRCh38, 1-based): chr14:64,065,611, C>T. VCF-style: chr14-64065611-C-T. GRCh37 (hg19) VCF-style: chr14-64532329-C-T.
Other names: c.10392C>T, p.Cys3464= (NM_015180.6).
Identifiers: ClinVar variation 283303 (VCV000283303.22), dbSNP rs373646325, ClinGen allele CA7221492.

ClinVar aggregate classification (germline): Conflicting classifications of pathogenicity. Review status: criteria provided, conflicting classifications (1 of 4 stars). 5 submissions from 5 submitters: Uncertain significance (1); Benign (2); Likely benign (2). Last evaluated 2026-01-27.

Conditions:
Emery-Dreifuss muscular dystrophy 5, autosomal dominant (EDMD5). Also called: EMERY-DREIFUSS MUSCULAR DYSTROPHY 5. Identifiers: Orphanet 261, MedGen C2751805, MONDO:0013072, OMIM 612999.

Allele frequency attached by ClinVar (database versions not stated): ExAC 0.00022; ESP Exome Variant Server 0.00033; gnomAD exomes 0.00035; gnomAD 0.00052 and 0.00055; TOPMed 0.00065.
gnomAD v4.1: 490 of 1,614,030 alleles (0.03%); highest among the groups gnomAD compares: Middle Eastern, 0.16%; no homozygotes.

Submissions (5):

Labcorp Genetics (formerly Invitae), Labcorp
Classification: Likely benign for Emery-Dreifuss muscular dystrophy 5, autosomal dominant. Last evaluated: 2026-01-27. Review status: criteria provided, single submitter. Criteria: Invitae Variant Classification Sherloc (09022015). Collection method: clinical testing. Allele origin: germline.

Blueprint Genetics
Classification: Likely benign. Last evaluated: 2024-09-13. Review status: criteria provided, single submitter. Criteria: ACMG Guidelines, 2015. Collection method: clinical testing. Allele origin: germline.

Athena Diagnostics
Classification: Benign. Last evaluated: 2019-07-19. Review status: criteria provided, single submitter. Criteria: Athena Diagnostics Criteria. Collection method: clinical testing. Allele origin: germline.

Illumina Laboratory Services, Illumina
Classification: Benign for Emery-Dreifuss muscular dystrophy 5, autosomal dominant. Last evaluated: 2018-01-12. Review status: criteria provided, single submitter. Criteria: ICSL Variant Classification Criteria 13 December 2019. Collection method: clinical testing. Allele origin: germline.
Comment: This variant was observed in the ICSL laboratory as part of a predisposition screen in an ostensibly healthy population. It had not been previously curated by ICSL or reported in the Human Gene Mutation Database (HGMD: prior to June 1st, 2018), and was therefore a candidate for classification through an automated scoring system. Utilizing variant allele frequency, disease prevalence and penetrance estimates, and inheritance mode, an automated score was calculated to assess if this variant is too frequent to cause the disease. Based on the score and internal cut-off values, a variant classified as benign is not then subjected to further curation. The score for this variant resulted in a classification of benign for this disease.

Eurofins Ntd Llc (ga)
Classification: Uncertain significance. Last evaluated: 2015-09-15. Review status: criteria provided, single submitter. Criteria: EGL Classification Definitions 2015. Collection method: clinical testing. Allele origin: germline. Observed: 2 variant alleles, 2 heterozygotes.